The following is an entry in ClinVar:

NM_021072.4(HCN1):c.1857C>G (p.Asn619Lys)

Gene: HCN1 (hyperpolarization activated cyclic nucleotide gated potassium channel 1; minus strand). Cytogenetic location: 5p12.
Variant type: single nucleotide variant.
Coding change: c.1857C>G on transcript NM_021072.4 (MANE Select); coding-DNA position 1857, C replaced by G.
Protein change: p.Asn619Lys; replaces asparagine 619 with lysine.
Molecular consequence: missense variant.
Genome position (GRCh38, 1-based): chr5:45,262,737, G>C on the plus strand (C>G on the coding strand, the complement: HCN1 is on the minus strand). VCF-style: chr5-45262737-G-C. GRCh37 (hg19) VCF-style: chr5-45262839-G-C.
Other names: short protein forms N619K.
Identifiers: ClinVar variation 662430 (VCV000662430.9), dbSNP rs754531784, ClinGen allele CA359704563.
Genomic context (GRCh38, chr5:45,262,737, plus strand): 5'-GATGGGAGCGATTGCCTGCACCATCTCCCTGTCATGTTTCACAATCTGCTTGAGGATTTC[G>C]TTCTCCTGATTGTTGAAAACACCAGTGTTCAGATCCTTCTGGAACTTTTGCAGAAGAATT-3'
Protein context (NP_066550.2, residues 609-629): LNTGVFNNQE[Asn619Lys]EILKQIVKHD

ClinVar aggregate classification (germline): Uncertain significance (1 of 4 stars; one submission).

Conditions:
Early-infantile DEE. Also called: Early infantile epileptic encephalopathy; Ohtahara syndrome; Early infantile epileptic encephalopathy with suppression bursts. Identifiers: Orphanet 1934, MedGen C0393706, MONDO:0800491.

gnomAD v4.1: 1 of 1,614,120 alleles (0.000062%); highest among the groups gnomAD compares: Non-Finnish European, 0.000085%; no homozygotes.

Submission:

Labcorp Genetics (formerly Invitae), Labcorp
Classification: Uncertain significance for Early-infantile DEE. Last evaluated: 2018-11-05. Review status: criteria provided, single submitter. Criteria: Invitae Variant Classification Sherloc (09022015). Collection method: clinical testing. Allele origin: germline.
Comment: This sequence change replaces asparagine with lysine at codon 619 of the HCN1 protein (p.Asn619Lys). The asparagine residue is highly conserved and there is a moderate physicochemical difference between asparagine and lysine. This variant is not present in population databases (ExAC no frequency). In summary, the available evidence is currently insufficient to determine the role of this variant in disease. Therefore, it has been classified as a Variant of Uncertain Significance. Algorithms developed to predict the effect of missense changes on protein structure and function are either unavailable or do not agree on the potential impact of this missense change (SIFT: "Deleterious"; PolyPhen-2: "Benign"; Align-GVGD: "Class C25"). This variant has not been reported in the literature in individuals with HCN1-related disease.